The following is an entry in ClinVar:

ClinVar aggregate classification (germline): Likely benign (1 of 4 stars; one submission).

Allele frequency attached by ClinVar (database versions not stated): gnomAD 0.00152; 1000 Genomes Project 30x 0.00328; 1000 Genomes Project 0.00399.

Submission:

CeGaT Center for Human Genetics Tuebingen
Classification: Likely benign. Last evaluated: 2024-11-01. Review status: criteria provided, single submitter. Criteria: CeGaT Center For Human Genetics Tuebingen Variant Classification Criteria Version 2. Collection method: clinical testing. Allele origin: germline. Affected: yes. Observed: 13 variant alleles.
Comment: TRAPPC9: BS1

NM_001160372.4(TRAPPC9):c.2557-74608G>A

Genes: PEG13 (paternally expressed 13; minus strand), TRAPPC9 (trafficking protein particle complex subunit 9; minus strand). Cytogenetic location: 8q24.3.
Variant type: single nucleotide variant.
Coding change: c.2557-74608G>A on transcript NM_001160372.4 (MANE Select); 74608 bases into the intron before coding-DNA position 2557, G replaced by A.
Molecular consequence: intron variant. On other transcripts: non-coding transcript variant (1).
Genome position (GRCh38, 1-based): chr8:140,098,687, C>T on the plus strand (G>A on the coding strand, the complement: TRAPPC9 is on the minus strand). VCF-style: chr8-140098687-C-T. GRCh37 (hg19) VCF-style: chr8-141108786-C-T.
Other names: c.2557-74608G>A (NM_031466.8, NM_001374683.1); c.2530-74608G>A (NM_001321646.2); c.2413-74608G>A (NM_001374684.1); c.2578-74608G>A (NM_001374682.1).
Identifiers: ClinVar variation 2571322 (VCV002571322.27), dbSNP rs143072090, ClinGen allele CA187246367.